The following is an entry in ClinVar:

NM_024884.3(L2HGDH):c.840A>G (p.Pro280=)

Gene: L2HGDH (L-2-hydroxyglutarate dehydrogenase; minus strand). Cytogenetic location: 14q21.3.
Variant type: single nucleotide variant.
Coding change: c.840A>G on transcript NM_024884.3 (MANE Select); coding-DNA position 840, A replaced by G.
Protein change: p.Pro280=; no amino-acid change (proline 280 retained).
Molecular consequence: synonymous variant.
Genome position (GRCh38, 1-based): chr14:50,269,229, T>C on the plus strand (A>G on the coding strand, the complement: L2HGDH is on the minus strand). VCF-style: chr14-50269229-T-C. GRCh37 (hg19) VCF-style: chr14-50735947-T-C.
Identifiers: ClinVar variation 158802 (VCV000158802.24), dbSNP rs72683923, ClinGen allele CA172459.

ClinVar aggregate classification (germline): Benign/Likely benign. Review status: criteria provided, multiple submitters, no conflicts (2 of 4 stars). 7 submissions from 7 submitters: Benign (3); Likely benign (1). 3 of the submissions do not count toward it. Last evaluated 2026-02-03.

Conditions:
L2HGDH-related disorder. Also called: L2HGDH-related condition.
L-2-hydroxyglutaric aciduria (L2HGA). Identifiers: Orphanet 79314, MedGen C1855995, MONDO:0009370, OMIM 236792, HP:0040144.

Allele frequency attached by ClinVar (database versions not stated): 1000 Genomes Project 0.00439; 1000 Genomes Project 30x 0.00468; TOPMed 0.00896; gnomAD 0.00989 and 0.01007; gnomAD exomes 0.01009; ExAC 0.01066; ESP Exome Variant Server 0.01176.
gnomAD v4.1: 24,230 of 1,613,976 alleles (1.5%); highest among the groups gnomAD compares: Non-Finnish European, 1.8%; 227 homozygotes.

Submissions (7):

Labcorp Genetics (formerly Invitae), Labcorp
Classification: Benign for L-2-hydroxyglutaric aciduria. Last evaluated: 2026-02-03. Review status: criteria provided, single submitter. Criteria: Invitae Variant Classification Sherloc (09022015). Collection method: clinical testing. Allele origin: germline.

Athena Diagnostics
Classification: Benign. Last evaluated: 2024-11-26. Review status: criteria provided, single submitter. Criteria: Athena Diagnostics Criteria. Collection method: clinical testing. Allele origin: unknown.

GeneDx
Classification: Likely benign. Last evaluated: 2021-05-04. Review status: criteria provided, single submitter. Criteria: GeneDx Variant Classification Process June 2021. Collection method: clinical testing. Allele origin: germline. Affected: yes.
Comment: See Variant Classification Assertion Criteria.

Breakthrough Genomics
Classification: Benign. Review status: criteria provided, single submitter. Criteria: ACMG Guidelines, 2015. Collection method: not provided. Allele origin: germline. Inheritance: Autosomal recessive inheritance. Affected: yes.

PreventionGenetics, part of Exact Sciences
Classification: Benign for L2HGDH-related condition. Last evaluated: 2019-09-10. Review status: no assertion criteria provided. Collection method: clinical testing. Allele origin: germline. Not counted in ClinVar's aggregate classification.
Comment: This variant is classified as benign based on ACMG/AMP sequence variant interpretation guidelines (Richards et al. 2015 PMID: 25741868, with internal and published modifications).

Mayo Clinic Laboratories, Mayo Clinic
Classification: Benign. Last evaluated: 2016-02-24. Review status: no assertion criteria provided. Collection method: clinical testing. Allele origin: unknown. Not counted in ClinVar's aggregate classification.

Genetic Services Laboratory, University of Chicago
Classification: Likely benign. Review status: no assertion criteria provided. Collection method: clinical testing. Allele origin: germline. Inheritance: Autosomal recessive inheritance. Not counted in ClinVar's aggregate classification.
Comment: Likely benign based on allele frequency in 1000 Genomes Project or ESP global frequency and its presence in a patient with a rare or unrelated disease phenotype. NOT Sanger confirmed

Literature cited by the submitters: PubMed 35186008 (cited by Athena Diagnostics); PubMed 31015462 (cited by Athena Diagnostics); PubMed 39567890 (cited by Athena Diagnostics); PubMed 20052767 (cited by Athena Diagnostics).